The following is an entry in ClinVar:

ClinVar aggregate classification (germline): Uncertain significance (1 of 4 stars; one submission).

Conditions:
Primary ciliary dyskinesia. Also called: Ciliary dyskinesia. Identifiers: Orphanet 244, MedGen C0008780, MONDO:0016575, HP:0012265.

gnomAD v4.1: 2 of 1,613,960 alleles (0.00012%); highest among the groups gnomAD compares: Non-Finnish European, 0.00017%; no homozygotes.

Submission:

Ambry Genetics
Classification: Uncertain significance for Primary ciliary dyskinesia. Last evaluated: 2026-06-27. Review status: criteria provided, single submitter. Criteria: Ambry Variant Classification Scheme 2023. Collection method: clinical testing. Allele origin: germline.
Comment: The p.A20T variant (also known as c.58G>A), located in coding exon 1 of the CCDC39 gene, results from a G to A substitution at nucleotide position 58. The alanine at codon 20 is replaced by threonine, an amino acid with similar properties. This amino acid position is conserved. In addition, the in silico prediction for this alteration is inconclusive. Based on the available evidence, the clinical significance of this variant remains unclear.

NM_181426.2(CCDC39):c.58G>A (p.Ala20Thr)

Gene: CCDC39 (coiled-coil domain 39 molecular ruler complex subunit; minus strand). Cytogenetic location: 3q26.33.
Variant type: single nucleotide variant.
Coding change: c.58G>A on transcript NM_181426.2 (MANE Select); coding-DNA position 58, G replaced by A.
Protein change: p.Ala20Thr; replaces alanine 20 with threonine.
Molecular consequence: missense variant.
Genome position (GRCh38, 1-based): chr3:180,679,323, C>T on the plus strand (G>A on the coding strand, the complement: CCDC39 is on the minus strand). VCF-style: chr3-180679323-C-T. GRCh37 (hg19) VCF-style: chr3-180397111-C-T.
Other names: short protein forms A20T.
Identifiers: ClinVar variation 5033794 (VCV005033794.1).